The following is an entry in ClinVar:

ClinVar aggregate classification (germline): Uncertain significance. Review status: criteria provided, multiple submitters, no conflicts (2 of 4 stars). 2 submissions from 2 submitters: Uncertain significance (2). Last evaluated 2025-12-01.

Conditions:
Familial focal epilepsy with variable foci (FPEVF). Identifiers: Orphanet 98820, MedGen C1858477, MONDO:0020310.

Allele frequency attached by ClinVar (database versions not stated): ExAC 0.00001; gnomAD exomes below 0.00001; TOPMed 0.00001; gnomAD 0.00001.

Submissions (2):

GeneDx
Classification: Uncertain significance. Last evaluated: 2025-12-01. Review status: criteria provided, single submitter. Criteria: GeneDx Variant Classification Process June 2021. Collection method: clinical testing. Allele origin: germline.
Comment: Not observed at significant frequency in large population cohorts (gnomAD); In silico analysis suggests that this missense variant does not alter protein structure/function; In silico analysis suggests this variant may impact gene splicing. In the absence of RNA/functional studies, the actual effect of this sequence change is unknown.; Has not been previously published as pathogenic or benign to our knowledge

Labcorp Genetics (formerly Invitae), Labcorp
Classification: Uncertain significance for Familial focal epilepsy with variable foci. Last evaluated: 2025-02-17. Review status: criteria provided, single submitter. Criteria: Invitae Variant Classification Sherloc (09022015). Collection method: clinical testing. Allele origin: germline.
Comment: This sequence change replaces alanine, which is neutral and non-polar, with valine, which is neutral and non-polar, at codon 1225 of the DEPDC5 protein (p.Ala1225Val). The frequency data for this variant in the population databases is considered unreliable, as metrics indicate poor data quality at this position in the gnomAD database. This variant has not been reported in the literature in individuals affected with DEPDC5-related conditions. ClinVar contains an entry for this variant (Variation ID: 1800988). An algorithm developed to predict the effect of missense changes on protein structure and function outputs the following: PolyPhen-2: "Not Available". The valine amino acid residue is found in multiple mammalian species, which suggests that this missense change does not adversely affect protein function. In summary, the available evidence is currently insufficient to determine the role of this variant in disease. Therefore, it has been classified as a Variant of Uncertain Significance.

NM_001242896.3(DEPDC5):c.3674C>T (p.Ala1225Val)

Gene: DEPDC5 (DEP domain containing 5, GATOR1 subcomplex subunit; plus strand). Cytogenetic location: 22q12.3.
Variant type: single nucleotide variant.
Coding change: c.3674C>T on transcript NM_001242896.3 (MANE Select); coding-DNA position 3674, C replaced by T.
Protein change: p.Ala1225Val; replaces alanine 1225 with valine.
Molecular consequence: missense variant. On other transcripts: non-coding transcript variant (4).
Genome position (GRCh38, 1-based): chr22:31,874,383, C>T. VCF-style: chr22-31874383-C-T. GRCh37 (hg19) VCF-style: chr22-32270369-C-T.
Other names: c.3647C>T, p.Ala1216Val (NM_001136029.4); c.3374C>T, p.Ala1125Val (NM_001242897.2); c.3608C>T, p.Ala1203Val (NM_001363852.2, NM_001364320.2); c.3440C>T, p.Ala1147Val (NM_001363854.2, NM_001364319.2); c.3674C>T, p.Ala1225Val (NM_001364318.2); c.3590C>T, p.Ala1197Val (NM_001369901.1, NM_001369902.1); c.3581C>T, p.Ala1194Val (NM_001369903.1, NM_014662.6); short protein forms A1125V, A1147V, A1194V, A1197V, A1203V, A1216V, A1225V.
Identifiers: ClinVar variation 1800988 (VCV001800988.7), dbSNP rs763619560, ClinGen allele CA10197055.
Genomic context (GRCh38, chr22:31,874,383, plus strand): 5'-TCATCAGCGCGGAGGTGGTACACTGGTTGGTGAACCACGTGGAGGGGATCCAGACACAGG[C>T]GATGGCCATTGACATCATGCAGGTGAGACAGCAAGAGGGGCCCATAGAGCTGTTTGCTTA-3'
Protein context (NP_001229825.1, residues 1215-1235): VNHVEGIQTQ[Ala1225Val]MAIDIMQKML